The following is an entry in ClinVar:

ClinVar aggregate classification (germline): Uncertain significance (1 of 4 stars; one submission).

Allele frequency attached by ClinVar (database versions not stated): gnomAD 0.00001; gnomAD exomes below 0.00001.
gnomAD v4.1: 4 of 1,598,508 alleles (0.00025%); highest among the groups gnomAD compares: Non-Finnish European, 0.00034%; no homozygotes.

Submission:

Labcorp Genetics (formerly Invitae), Labcorp
Classification: Uncertain significance. Last evaluated: 2025-04-08. Review status: criteria provided, single submitter. Criteria: Invitae Variant Classification Sherloc (09022015). Collection method: clinical testing. Allele origin: germline.
Comment: This sequence change replaces alanine, which is neutral and non-polar, with valine, which is neutral and non-polar, at codon 256 of the FAR1 protein (p.Ala256Val). This variant is present in population databases (no rsID available, gnomAD 0.007%). This variant has not been reported in the literature in individuals affected with FAR1-related conditions. ClinVar contains an entry for this variant (Variation ID: 2007203). An algorithm developed to predict the effect of missense changes on protein structure and function (PolyPhen-2) suggests that this variant is likely to be disruptive. In summary, the available evidence is currently insufficient to determine the role of this variant in disease. Therefore, it has been classified as a Variant of Uncertain Significance.

NM_032228.6(FAR1):c.767C>T (p.Ala256Val)

Gene: FAR1 (fatty acyl-CoA reductase 1; plus strand). Cytogenetic location: 11p15.3.
Variant type: single nucleotide variant.
Coding change: c.767C>T on transcript NM_032228.6 (MANE Select); coding-DNA position 767, C replaced by T.
Protein change: p.Ala256Val; replaces alanine 256 with valine.
Molecular consequence: missense variant.
Genome position (GRCh38, 1-based): chr11:13,711,807, C>T. VCF-style: chr11-13711807-C-T. GRCh37 (hg19) VCF-style: chr11-13733354-C-T.
Other names: short protein forms A256V.
Identifiers: ClinVar variation 2007203 (VCV002007203.4), dbSNP rs1437945875, ClinGen allele CA379857662.